The following is an entry in ClinVar:

ClinVar aggregate classification (germline): Conflicting classifications of pathogenicity. Review status: criteria provided, conflicting classifications (1 of 4 stars). 18 submissions from 14 submitters: Uncertain significance (9); Benign (2); Likely benign (5). 2 of the submissions do not count toward it. Last evaluated 2026-09-21.

Conditions:
TTN-related disorder. Also called: TTN-related disorders; TTN-related condition; TTN-related disease.
Cardiovascular phenotype. Identifiers: MedGen CN230736.
Autosomal recessive limb-girdle muscular dystrophy type 2J (LGMDR10). Also called: Limb-girdle muscular dystrophy, type 2J; MUSCULAR DYSTROPHY, LIMB-GIRDLE, AUTOSOMAL RECESSIVE 10. Identifiers: Orphanet 140922, MedGen C1837342, MONDO:0012127, OMIM 608807.
Dilated cardiomyopathy 1G (CMD1G). Identifiers: Orphanet 154, MedGen C1858763, MONDO:0011400, OMIM 604145.
Tibial muscular dystrophy (TMD). Also called: Tibial muscular dystrophy, tardive; UDD MYOPATHY; Udd Distal Myopathy – Tibial Muscular Dystrophy. Identifiers: Orphanet 609, MedGen C1838244, MONDO:0010870, OMIM 600334.
Cardiomyopathy (CMYO). Also called: Cardiomyopathies. Identifiers: Orphanet 167848, MedGen C0878544, MONDO:0004994, HP:0001638. Inheritance: Various modes of inheritance.
Myopathy, myofibrillar, 9, with early respiratory failure (MFM9). Also called: Hereditary myopathy with early respiratory failure; EDSTROM MYOPATHY; MYOPATHY, PROXIMAL, WITH EARLY RESPIRATORY MUSCLE INVOLVEMENT; Myopathy, distal, with early respiratory failure, autosomal dominant. Identifiers: Orphanet 178464, Orphanet 34521, MedGen C1863599, MONDO:0011362, OMIM 603689.
Early-onset myopathy with fatal cardiomyopathy (CMYO5). Also called: Salih Myopathy; CONGENITAL MYOPATHY 5 WITH CARDIOMYOPATHY. Identifiers: Orphanet 289377, MedGen C2673677, MONDO:0012714, OMIM 611705. Disease mechanism: loss of function.
Hypertrophic cardiomyopathy 9. Also called: Familial hypertrophic cardiomyopathy 9. Identifiers: MedGen C1861065, MONDO:0013412, OMIM 613765.

Allele frequency attached by ClinVar (database versions not stated): gnomAD exomes 0.00011 and 0.00012; ExAC 0.00016; ESP Exome Variant Server 0.00008; TOPMed 0.00009; gnomAD 0.00011.

Submissions (18):

Molecular Diagnostic Laboratory for Inherited Cardiovascular Disease, Montreal Heart Institute
Classification: Likely benign. Last evaluated: 2026-09-21. Review status: criteria provided, single submitter. Criteria: ACMG Guidelines, 2015. Collection method: clinical testing. Allele origin: germline. Affected: no.

CeGaT Center for Human Genetics Tuebingen
Classification: Uncertain significance. Last evaluated: 2026-09-01. Review status: criteria provided, single submitter. Criteria: CeGaT Center For Human Genetics Tuebingen Variant Classification Criteria Version 2. Collection method: clinical testing. Allele origin: germline. Affected: yes. Observed: 3 variant alleles.
Comment: TTN: PM2, BP4

PreventionGenetics, part of Exact Sciences
Classification: Uncertain significance for TTN-related condition. Last evaluated: 2026-05-27. Review status: criteria provided, single submitter. Criteria: ACMG Guidelines, 2015. Collection method: clinical testing. Allele origin: germline.
Comment: The TTN c.52702A>G variant is predicted to result in the amino acid substitution p.Ile17568Val. To our knowledge, this variant has not been reported in the literature. This variant is reported in 0.041% of alleles in individuals of Ashkenazi Jewish descent in gnomAD. Although we suspect that this variant may be benign, at this time, the clinical significance of this variant is uncertain due to the absence of conclusive functional and genetic evidence.

Women's Health and Genetics/Laboratory Corporation of America, LabCorp
Classification: Uncertain significance. Last evaluated: 2025-04-07. Review status: criteria provided, single submitter. Criteria: LabCorp Variant Classification Summary - May 2015. Collection method: clinical testing. Allele origin: germline.
Comment: Variant summary: TTN c.44998A>G (p.Ile15000Val) results in a conservative amino acid change located in the A-band region of the encoded protein sequence. Three of four in-silico tools predict a benign effect of the variant on protein function. The variant allele was found at a frequency of 0.00012 in 237140 control chromosomes, predominantly at a frequency of 0.00021 within the Non-Finnish European subpopulation in the gnomAD database. This frequency is somewhat lower than the maximum estimated for a pathogenic variant in TTN causing Dilated Cardiomyopathy (0.00039), allowing no conclusion about variant significance. However, in certain European subpopulations (e.g. in Southern Europeans; gnomAD v2.1), the variant is reported with higher allele frequencies suggesting that the variant might be a benign polymorphism. The variant, c.44998A>G, has been reported in the literature in individuals affected with Dilated Cardiomyopathy and ventricular tachycardia (Forleo_2017, Guelly_2021). These reports do not provide unequivocal conclusions about association of the variant with Dilated Cardiomyopathy. To our knowledge, no experimental evidence demonstrating an impact on protein function has been reported. The following publications have been ascertained in the context of this evaluation (PMID: 28750076, 33552729). ClinVar contains an entry for this variant (Variation ID: 202702). Based on the evidence outlined above, the variant was classified as uncertain significance.

Blueprint Genetics
Classification: Likely benign. Last evaluated: 2024-10-10. Review status: criteria provided, single submitter. Criteria: ACMG Guidelines, 2015. Collection method: clinical testing. Allele origin: germline.

Revvity Omics, Revvity
Classification: Uncertain significance. Last evaluated: 2024-09-09. Review status: criteria provided, single submitter. Criteria: ACMG Guidelines, 2015. Collection method: clinical testing. Allele origin: germline.

Ambry Genetics
Classification: Likely benign for Cardiovascular phenotype. Last evaluated: 2020-09-16. Review status: criteria provided, single submitter. Criteria: Ambry Variant Classification Scheme 2023. Collection method: clinical testing. Allele origin: germline.

CHEO Genetics Diagnostic Laboratory, Children's Hospital of Eastern Ontario
Classification: Likely benign for Cardiomyopathy. Last evaluated: 2019-11-05. Review status: criteria provided, single submitter. Criteria: ACMG Guidelines, 2015. Collection method: clinical testing. Allele origin: germline.

GeneDx
Classification: Likely benign. Last evaluated: 2019-04-04. Review status: criteria provided, single submitter. Criteria: GeneDx Variant Classification Process June 2021. Collection method: clinical testing. Allele origin: germline. Affected: yes.

Institute of Human Genetics, University of Leipzig Medical Center
Classification: Uncertain significance for Hypertrophic cardiomyopathy 9. Last evaluated: 2019-01-01. Review status: criteria provided, single submitter. Criteria: ACMG Guidelines, 2015. Collection method: clinical testing. Allele origin: unknown. Affected: yes.

Illumina Laboratory Services, Illumina
Classification: Uncertain significance for Early-onset myopathy with fatal cardiomyopathy. Last evaluated: 2018-01-13. Review status: criteria provided, single submitter. Criteria: ICSL Variant Classification Criteria 13 December 2019. Collection method: clinical testing. Allele origin: germline.

Illumina Laboratory Services, Illumina
Classification: Uncertain significance for Autosomal recessive limb-girdle muscular dystrophy type 2J. Last evaluated: 2018-01-13. Review status: criteria provided, single submitter. Criteria: ICSL Variant Classification Criteria 13 December 2019. Collection method: clinical testing. Allele origin: germline.

Illumina Laboratory Services, Illumina
Classification: Uncertain significance for Dilated cardiomyopathy 1G. Last evaluated: 2018-01-13. Review status: criteria provided, single submitter. Criteria: ICSL Variant Classification Criteria 13 December 2019. Collection method: clinical testing. Allele origin: germline.

Illumina Laboratory Services, Illumina
Classification: Benign for Tibial muscular dystrophy. Last evaluated: 2018-01-13. Review status: criteria provided, single submitter. Criteria: ICSL Variant Classification Criteria 13 December 2019. Collection method: clinical testing. Allele origin: germline.
Comment: This variant was observed in the ICSL laboratory as part of a predisposition screen in an ostensibly healthy population. It had not been previously curated by ICSL or reported in the Human Gene Mutation Database (HGMD: prior to June 1st, 2018), and was therefore a candidate for classification through an automated scoring system. Utilizing variant allele frequency, disease prevalence and penetrance estimates, and inheritance mode, an automated score was calculated to assess if this variant is too frequent to cause the disease. Based on the score and internal cut-off values, a variant classified as benign is not then subjected to further curation. The score for this variant resulted in a classification of benign for this disease.

Illumina Laboratory Services, Illumina
Classification: Benign for Myopathy, myofibrillar, 9, with early respiratory failure. Last evaluated: 2018-01-13. Review status: criteria provided, single submitter. Criteria: ICSL Variant Classification Criteria 13 December 2019. Collection method: clinical testing. Allele origin: germline.
Comment: the same text as in the submission from Illumina Laboratory Services, Illumina above.

Labcorp Genetics (formerly Invitae), Labcorp
Classification: Uncertain significance for Dilated cardiomyopathy 1G; Autosomal recessive limb-girdle muscular dystrophy type 2J. Last evaluated: 2017-02-20. Review status: criteria provided, single submitter. Criteria: Invitae Variant Classification Sherloc (09022015). Collection method: clinical testing. Allele origin: germline.

Clinical Genetics DNA and cytogenetics Diagnostics Lab, Erasmus MC, Erasmus Medical Center
Classification: Uncertain significance. Review status: no assertion criteria provided. Collection method: clinical testing. Allele origin: germline. Affected: yes. Study: VKGL Data-share Consensus. Not counted in ClinVar's aggregate classification.

Clinical Genetics, Academic Medical Center
Classification: Uncertain significance. Review status: no assertion criteria provided. Collection method: clinical testing. Allele origin: germline. Affected: yes. Study: VKGL Data-share Consensus. Not counted in ClinVar's aggregate classification.

Literature cited by the submitters: PubMed 28750076 (cited by Women's Health and Genetics/Laboratory Corporation of America, LabCorp); PubMed 33552729 (cited by Women's Health and Genetics/Laboratory Corporation of America, LabCorp).

NM_001267550.2(TTN):c.52702A>G (p.Ile17568Val)

Genes: TTN (titin; minus strand), TTN-AS1 (TTN antisense RNA 1; plus strand), LOC126806425 (BRD4-independent group 4 enhancer GRCh37_chr2:179471933-179473132; plus strand). Cytogenetic location: 2q31.2.
Variant type: single nucleotide variant.
Coding change: c.52702A>G on transcript NM_001267550.2 (MANE Select); coding-DNA position 52702, A replaced by G.
Protein change: p.Ile17568Val; replaces isoleucine 17568 with valine.
Molecular consequence: missense variant. On other transcripts: non-coding transcript variant (1).
Genome position (GRCh38, 1-based): chr2:178,608,181, T>C on the plus strand (A>G on the coding strand, the complement: TTN is on the minus strand). VCF-style: chr2-178608181-T-C. GRCh37 (hg19) VCF-style: chr2-179472908-T-C.
Other names: p.I15927V:ATC>GTC; c.47779A>G, p.Ile15927Val (NM_001256850.1); c.25507A>G, p.Ile8503Val (NM_003319.4); c.44998A>G, p.Ile15000Val (NM_133378.4); c.25882A>G, p.Ile8628Val (NM_133432.3); c.26083A>G, p.Ile8695Val (NM_133437.4); short protein forms I15927V, I17568V, I15000V, I8628V, I8503V, I8695V.
Identifiers: ClinVar variation 202702 (VCV000202702.89), dbSNP rs377571654, ClinGen allele CA310028.
Genomic context (GRCh38, chr2:178,608,181, plus strand): 5'-GTTTTAAAATGTACAATAGCTTGTTCTACTCCACCTTCTTCTTAAGGAACTACTTACAGA[T>C]TGGATCATGTGCTGTTTTGGGATCTGAAGGTGGACTGAACTTTCCAGGTCCAGCTGCATT-3'
Protein context (NP_001254479.2, residues 17558-17578): PSDPKTAHDP[Ile17568Val]SPPGPPIPRV